The following is an entry in ClinVar:

ClinVar aggregate classification (germline): Pathogenic (1 of 4 stars; one submission).

Submission:

ISCA Site 6
Classification: Pathogenic. Last evaluated: 2011-08-12. Review status: criteria provided, single submitter. Criteria: Kaminsky et al. (Genet Med. 2011). Collection method: clinical testing. Allele origin: unknown. Affected: yes. Observed: 1 variant allele.
Comment: Copy number variation identified through the course of routine clinical cytogenomic testing in postnatal populations. Clinical assertions have been curated as described in Kaminsky et al. 2011.

GRCh38/hg38 16p11.2(chr16:29808232-30162533)x1

Genes: ALDOA (aldolase, fructose-bisphosphate A; plus strand), ASPHD1 (aspartate beta-hydroxylase domain containing 1; plus strand), CDIPT (CDP-diacylglycerol--inositol 3-phosphatidyltransferase; minus strand), CDIPTOSP (CDIP transferase opposite strand, pseudogene; plus strand), DOC2A (double C2 domain alpha; minus strand) and 53 more. Cytogenetic location: 16p11.2.
Variant type: copy number loss.
Change: copy number 1 (one copy instead of two) of chr16:29,808,232-30,162,533 (354.3 kb, GRCh38 coordinates, 1-based), cytogenetic band 16p11.2.
Identifiers: ClinVar variation 60410 (VCV000060410.2).